The following is an entry in ClinVar:

NM_018972.4(GDAP1):c.167dup (p.Ser57fs)

Gene: GDAP1 (ganglioside induced differentiation associated protein 1; plus strand). Cytogenetic location: 8q21.11.
Variant type: Duplication.
Coding change: c.167dup on transcript NM_018972.4 (MANE Select); coding-DNA position 167, one base duplicated (T; older notation c.167dupT).
Protein change: p.Ser57fs; shifts the reading frame from serine 57.
Molecular consequence: frameshift variant. On other transcripts: splice donor variant (1), intron variant (1), 5 prime UTR variant (1).
Genome position (GRCh38, 1-based): chr8:74,351,323, T duplicated. VCF-style (leftmost placement, unchanged base first): chr8-74351322-G-GT. GRCh37 (hg19) VCF-style: chr8-75263557-G-GT.
Other names: c.-18+2dup (NM_001362929.2); c.-18+745dup (NM_001362932.2); c.-38dup (NM_001040875.4); c.167dup, p.Ser57fs (NM_001362930.2, NM_001362931.2); short protein forms S57fs.
Identifiers: ClinVar variation 2730373 (VCV002730373.3), dbSNP rs2536724780, ClinGen allele CA2579191226.
Genomic context (GRCh38, chr8:74,351,322, plus strand): 5'-GAACTCTTCCAGGTGCGCTTGGTAATTGCTGAAAAGGCATTGAAGTGCGAGGAACATGAT[G>GT]TAAGTCTGCCCTTGAGTGAGCACAATGAGCCTTGGTTTATGCGTTTGAACTCAACTGGAG-3'

ClinVar aggregate classification (germline): Pathogenic (1 of 4 stars; one submission).

Conditions:
Charcot-Marie-Tooth disease type 4A. Also called: Charcot-Marie-Tooth disease, demyelinating, autosomal recessive, type 4a. Identifiers: Orphanet 99948, MedGen C1859198, MONDO:0008961, OMIM 214400.

Submission:

Labcorp Genetics (formerly Invitae), Labcorp
Classification: Pathogenic for Charcot-Marie-Tooth disease type 4A. Last evaluated: 2023-10-26. Review status: criteria provided, single submitter. Criteria: Invitae Variant Classification Sherloc (09022015). Collection method: clinical testing. Allele origin: germline.
Comment: This sequence change creates a premature translational stop signal (p.Ser57Lysfs*6) in the GDAP1 gene. It is expected to result in an absent or disrupted protein product. Loss-of-function variants in GDAP1 are known to be pathogenic (PMID: 11743580). This variant is not present in population databases (gnomAD no frequency). This variant has not been reported in the literature in individuals affected with GDAP1-related conditions. Algorithms developed to predict the effect of sequence changes on RNA splicing suggest that this variant may disrupt the consensus splice site. For these reasons, this variant has been classified as Pathogenic.

Literature cited by the submitters: PubMed 11743580.